The following is an entry in ClinVar:

NM_000435.3(NOTCH3):c.4278_4290del (p.Gln1427fs)

Genes: NOTCH3 (notch receptor 3; minus strand), LOC130063807 (ATAC-STARR-seq lymphoblastoid silent region 10267; plus strand). Cytogenetic location: 19p13.12.
Variant type: Deletion.
Coding change: c.4278_4290del on transcript NM_000435.3 (MANE Select); coding-DNA positions 4278 to 4290, 13 bases deleted (GCAATGCGAGGCG).
Protein change: p.Gln1427fs; shifts the reading frame from glutamine 1427.
Molecular consequence: frameshift variant.
Genome position (GRCh38, 1-based): chr19:15,177,638-15,177,650, CGCCTCGCATTGC deleted on the plus strand (GCAATGCGAGGCG on the coding strand, the reverse complement: NOTCH3 is on the minus strand); deleting any 13 consecutive bases within chr19:15,177,638-15,177,654 gives the same sequence; the c. name uses the placement nearest the transcript's 3' end. VCF-style (leftmost placement, unchanged base first): chr19-15177637-GCGCCTCGCATTGC-G. GRCh37 (hg19) VCF-style: chr19-15288448-GCGCCTCGCATTGC-G.
Other names: short protein forms Q1427fs.
Identifiers: ClinVar variation 2862980 (VCV002862980.3), dbSNP rs2512636980, ClinGen allele CA2583061611.
Genomic context (GRCh38, chr19:15,177,637, plus strand): 5'-AGGCGGGCGAGCTGCAGGCGGGGTCGCAGCGGCTGTTGTTGAAGAGGCGCCAGCACTGCA[GCGCCTCGCATTGC>G]CGCCAGGGGTCGCCCACGCTCAGCGAGCAGTCGCCGCCGTCCCAGCCGCAGCCTGGGCTG-3'

ClinVar aggregate classification (germline): Pathogenic (1 of 4 stars; one submission).

Submission:

Labcorp Genetics (formerly Invitae), Labcorp
Classification: Pathogenic. Last evaluated: 2025-03-07. Review status: criteria provided, single submitter. Criteria: Invitae Variant Classification Sherloc (09022015). Collection method: clinical testing. Allele origin: germline.
Comment: This sequence change creates a premature translational stop signal (p.Gln1427Cysfs*147) in the NOTCH3 gene. It is expected to result in an absent or disrupted protein product. Loss-of-function variants in NOTCH3 are known to be pathogenic (PMID: 25870235, 32980981, 38824264). This variant is not present in population databases (gnomAD no frequency). This variant has not been reported in the literature in individuals affected with NOTCH3-related conditions. ClinVar contains an entry for this variant (Variation ID: 2862980). For these reasons, this variant has been classified as Pathogenic.

Literature cited by the submitters: PubMed 25870235; PubMed 32980981; PubMed 38824264.